The following is an entry in ClinVar:

ClinVar aggregate classification (germline): Uncertain significance (1 of 4 stars; one submission).

Submission:

Labcorp Genetics (formerly Invitae), Labcorp
Classification: Uncertain significance. Last evaluated: 2022-05-03. Review status: criteria provided, single submitter. Criteria: Invitae Variant Classification Sherloc (09022015). Collection method: clinical testing. Allele origin: germline.
Comment: This variant is not present in population databases (gnomAD no frequency). This sequence change replaces valine, which is neutral and non-polar, with glutamic acid, which is acidic and polar, at codon 1431 of the CPLANE1 protein (p.Val1431Glu). This variant has not been reported in the literature in individuals affected with CPLANE1-related conditions. In summary, the available evidence is currently insufficient to determine the role of this variant in disease. Therefore, it has been classified as a Variant of Uncertain Significance. Advanced modeling of protein sequence and biophysical properties (such as structural, functional, and spatial information, amino acid conservation, physicochemical variation, residue mobility, and thermodynamic stability) performed at Invitae indicates that this missense variant is not expected to disrupt CPLANE1 protein function.

NM_001384732.1(CPLANE1):c.4292T>A (p.Val1431Glu)

Genes: CPLANE1 (ciliogenesis and planar polarity effector complex subunit 1; minus strand), LOC129389274 (MPRA-validated peak5227 silencer; plus strand). Cytogenetic location: 5p13.2.
Variant type: single nucleotide variant.
Coding change: c.4292T>A on transcript NM_001384732.1 (MANE Select); coding-DNA position 4292, T replaced by A.
Protein change: p.Val1431Glu; replaces valine 1431 with glutamic acid.
Molecular consequence: missense variant.
Genome position (GRCh38, 1-based): chr5:37,184,977, A>T on the plus strand (T>A on the coding strand, the complement: CPLANE1 is on the minus strand). VCF-style: chr5-37184977-A-T. GRCh37 (hg19) VCF-style: chr5-37185079-A-T.
Other names: c.4292T>A, p.Val1431Glu (NM_023073.4); short protein forms V1431E.
Identifiers: ClinVar variation 2132752 (VCV002132752.2), dbSNP rs924551806, ClinGen allele CA359501400.